The following is an entry in ClinVar:

NM_024675.4(PALB2):c.1096A>G (p.Asn366Asp)

Gene: PALB2 (partner and localizer of BRCA2; minus strand). Cytogenetic location: 16p12.2.
Variant type: single nucleotide variant.
Coding change: c.1096A>G on transcript NM_024675.4 (MANE Select); coding-DNA position 1096, A replaced by G.
Protein change: p.Asn366Asp; replaces asparagine 366 with aspartic acid.
Molecular consequence: missense variant.
Genome position (GRCh38, 1-based): chr16:23,635,450, T>C on the plus strand (A>G on the coding strand, the complement: PALB2 is on the minus strand). VCF-style: chr16-23635450-T-C. GRCh37 (hg19) VCF-style: chr16-23646771-T-C.
Other names: short protein forms N366D.
Identifiers: ClinVar variation 188117 (VCV000188117.21), dbSNP rs786204080, ClinGen allele CA334083.

ClinVar aggregate classification (germline): Conflicting classifications of pathogenicity. Review status: criteria provided, conflicting classifications (1 of 4 stars). 6 submissions from 6 submitters: Uncertain significance (4); Likely benign (1). 1 of the submissions does not count toward it. Last evaluated 2025-05-18.

Conditions:
Inherited breast cancer and ovarian cancer.
Hereditary cancer-predisposing syndrome. Also called: Neoplastic Syndromes, Hereditary; Tumor predisposition; Hereditary Cancer Syndrome; Hereditary neoplastic syndrome. Identifiers: Orphanet 140162, MedGen C0027672, MeSH D009386, MONDO:0015356.
Familial cancer of breast. Also called: BREAST CANCER, FAMILIAL; Hereditary breast cancer; hereditary breast carcinoma. Identifiers: Orphanet 227535, MedGen C0346153, MONDO:0016419, OMIM 114480. Disease mechanism: loss of function.

Allele frequency attached by ClinVar (database versions not stated): gnomAD exomes 0.00001.
gnomAD v4.1: 8 of 1,614,152 alleles (0.0005%); highest among the groups gnomAD compares: South Asian, 0.0088%; no homozygotes.

Submissions (6):

Labcorp Genetics (formerly Invitae), Labcorp
Classification: Uncertain significance for Familial cancer of breast. Last evaluated: 2025-05-18. Review status: criteria provided, single submitter. Criteria: Invitae Variant Classification Sherloc (09022015). Collection method: clinical testing. Allele origin: germline.
Comment: This sequence change replaces asparagine, which is neutral and polar, with aspartic acid, which is acidic and polar, at codon 366 of the PALB2 protein (p.Asn366Asp). This variant is not present in population databases (gnomAD no frequency). This variant has not been reported in the literature in individuals affected with PALB2-related conditions. ClinVar contains an entry for this variant (Variation ID: 188117). Invitae Evidence Modeling of protein sequence and biophysical properties (such as structural, functional, and spatial information, amino acid conservation, physicochemical variation, residue mobility, and thermodynamic stability) indicates that this missense variant is not expected to disrupt PALB2 protein function with a negative predictive value of 80%. In summary, the available evidence is currently insufficient to determine the role of this variant in disease. Therefore, it has been classified as a Variant of Uncertain Significance.

Ambry Genetics
Classification: Likely benign for Hereditary cancer-predisposing syndrome. Last evaluated: 2025-01-21. Review status: criteria provided, single submitter. Criteria: Ambry Variant Classification Scheme 2023. Collection method: clinical testing. Allele origin: germline.

Genomics and Molecular Medicine Service, East Genomic Laboratory Hub, NHS Genomic Medicine Service
Classification: Uncertain significance for Inherited breast cancer and ovarian cancer. Last evaluated: 2024-08-14. Review status: criteria provided, single submitter. Criteria: ACGS Best Practice Guidelines for Variant Classification in Rare Disease 2020. Collection method: clinical testing. Allele origin: germline. Affected: yes.
Comment: BP1

Color Diagnostics, LLC DBA Color Health
Classification: Uncertain significance for Hereditary cancer-predisposing syndrome. Last evaluated: 2023-12-04. Review status: criteria provided, single submitter. Criteria: ACMG Guidelines, 2015. Collection method: clinical testing. Allele origin: germline.
Comment: This missense variant replaces asparagine with aspartic acid at codon 366 of the PALB2 protein. Computational prediction suggests that this variant may not impact protein structure and function (internally defined REVEL score threshold <= 0.5, PMID: 27666373). To our knowledge, functional studies have not been reported for this variant. This variant has not been reported in individuals affected with PALB2-related disorders in the literature. This variant has not been identified in the general population by the Genome Aggregation Database (gnomAD). The available evidence is insufficient to determine the role of this variant in disease conclusively. Therefore, this variant is classified as a Variant of Uncertain Significance.

Myriad Genetics, Inc.
Classification: Uncertain significance for Familial cancer of breast. Last evaluated: 2023-03-30. Review status: criteria provided, single submitter. Criteria: Myriad Autosomal Dominant, Autosomal Recessive and X-Linked Classification Criteria (2023). Collection method: clinical testing. Allele origin: unknown.
Comment: This variant is classified as a variant of uncertain significance as there is insufficient evidence to determine its impact on protein function and/or cancer risk.

Counsyl
Classification: Uncertain significance for Familial cancer of breast. Last evaluated: 2016-12-21. Review status: no assertion criteria provided. Collection method: clinical testing. Allele origin: unknown. Not counted in ClinVar's aggregate classification.